The following is an entry in ClinVar:

ClinVar aggregate classification (germline): Likely benign (1 of 4 stars; one submission).

Conditions:
FHOD3-related disorder. Also called: FHOD3-related condition.

gnomAD v4.1: 28 of 1,613,944 alleles (0.0017%); highest among the groups gnomAD compares: African/African-American, 0.019%; no homozygotes.

Submission:

PreventionGenetics, part of Exact Sciences
Classification: Likely benign for FHOD3-related condition. Last evaluated: 2026-06-24. Review status: criteria provided, single submitter. Criteria: ACMG Guidelines, 2015. Collection method: clinical testing. Allele origin: germline.
Comment: This variant is classified as likely benign based on ACMG/AMP sequence variant interpretation guidelines (Richards et al. 2015 PMID: 25741868, with internal and published modifications).

NM_001281740.3(FHOD3):c.4176A>G (p.Lys1392=)

Gene: FHOD3 (formin homology 2 domain containing 3; plus strand). Cytogenetic location: 18q12.2.
Variant type: single nucleotide variant.
Coding change: c.4176A>G on transcript NM_001281740.3 (MANE Select); coding-DNA position 4176, A replaced by G.
Protein change: p.Lys1392=; no amino-acid change (lysine 1392 retained).
Molecular consequence: synonymous variant.
Genome position (GRCh38, 1-based): chr18:36,747,079, A>G. VCF-style: chr18-36747079-A-G. GRCh37 (hg19) VCF-style: chr18-34327042-A-G.
Other names: c.3600A>G, p.Lys1200= (NM_001281739.3); c.3651A>G, p.Lys1217= (NM_025135.5).
Identifiers: ClinVar variation 4980528 (VCV004980528.1).